The following is an entry in ClinVar:

NM_018475.5(TMEM165):c.*505T>A

Gene: TMEM165 (transmembrane protein 165; plus strand). Cytogenetic location: 4q12.
Variant type: single nucleotide variant.
Coding change: c.*505T>A on transcript NM_018475.5 (MANE Select); 505 bases downstream of the stop codon, T replaced by A.
Molecular consequence: 3 prime UTR variant. On other transcripts: non-coding transcript variant (1).
Genome position (GRCh38, 1-based): chr4:55,425,957, T>A. VCF-style: chr4-55425957-T-A. GRCh37 (hg19) VCF-style: chr4-56292124-T-A.
Identifiers: ClinVar variation 349074 (VCV000349074.5), dbSNP rs73151843, ClinGen allele CA10618906.

ClinVar aggregate classification (germline): Benign (1 of 4 stars; one submission).

Conditions:
TMEM165-congenital disorder of glycosylation. Also called: CDG IIk; Congenital disorder of glycosylation type 2k; TMEM165-CDG. Identifiers: Orphanet 314667, MedGen C3553571, MONDO:0013870, OMIM 614727.

Allele frequency attached by ClinVar (database versions not stated): gnomAD 0.01375 and 0.01454; 1000 Genomes Project 0.01378; TOPMed 0.01518; 1000 Genomes Project 30x 0.01577.

Submission:

Illumina Laboratory Services, Illumina
Classification: Benign for TMEM165-congenital disorder of glycosylation. Last evaluated: 2018-01-13. Review status: criteria provided, single submitter. Criteria: ICSL Variant Classification Criteria 13 December 2019. Collection method: clinical testing. Allele origin: germline.
Comment: This variant was observed in the ICSL laboratory as part of a predisposition screen in an ostensibly healthy population. It had not been previously curated by ICSL or reported in the Human Gene Mutation Database (HGMD: prior to June 1st, 2018), and was therefore a candidate for classification through an automated scoring system. Utilizing variant allele frequency, disease prevalence and penetrance estimates, and inheritance mode, an automated score was calculated to assess if this variant is too frequent to cause the disease. Based on the score and internal cut-off values, a variant classified as benign is not then subjected to further curation. The score for this variant resulted in a classification of benign for this disease.